The following is an entry in ClinVar:

ClinVar aggregate classification (germline): Conflicting classifications of pathogenicity. Review status: criteria provided, conflicting classifications (1 of 4 stars). 2 submissions from 2 submitters: Pathogenic (1); Uncertain significance (1). Last evaluated 2024-05-22.

Conditions:
Tubulinopathy. Also called: Tubulinopathies. Identifiers: MedGen CN850169, MONDO:0100153.
Lissencephaly due to TUBA1A mutation (CDCBM16). Also called: Lissencephaly 3; CORTICAL DYSPLASIA, COMPLEX, WITH OTHER BRAIN MALFORMATIONS 16. Identifiers: Orphanet 171680, MedGen C4305153, MONDO:0012703, OMIM 611603.

Submissions (2):

Broad Center for Mendelian Genomics, Broad Institute of MIT and Harvard
Classification: Uncertain significance for Lissencephaly due to TUBA1A mutation. Last evaluated: 2024-05-22. Review status: criteria provided, single submitter. Criteria: ACMG Guidelines, 2015. Collection method: curation. Allele origin: germline. Inheritance: Autosomal dominant inheritance.
Comment: Trio exome analysis showed this variant to be de novo. This variant has been reported in 2 individuals with lissencephaly 3 (PMIDs: 34992632, 22948023), and was absent from large population studies. This variant was found to be de novo in one individual without confirmed paternity and maternity (PMID: 34992632). The variant has also been reported de novo in one individual, and of unknown inheritance in another individual with polymicrogyria (PMIDs: 34992632, 22948023), but was absent from large population studies. This variant has been reported in ClinVar (Variation ID: 625478) and has been interpreted as pathogenic by the Institute of Human Genetics (FAU Erlangen). Computational prediction tools and conservation analyses do not provide strong support for or against an impact to the protein. The number of missense variants reported in TUBA1A in the general population is lower than expected, suggesting there is little benign variation in this gene and slightly increasing the possibility that a missense variant in this gene may not be tolerated. In summary, the clinical significance of the p.Val235Leu variant is uncertain. ACMG/AMP Criteria applied: PS2_Moderate, PM2_Supporting, PP2 (Richards 2015).

Institute of Human Genetics, FAU Erlangen, Friedrich-Alexander-Universität Erlangen-Nürnberg
Classification: Pathogenic for Tubulinopathies. Last evaluated: 2018-07-01. Review status: criteria provided, single submitter. Criteria: ACMG Guidelines, 2015. Collection method: literature only. Allele origin: de novo. Affected: yes. Observed: 1 variant allele.
Comment: The c.703G>T, p.(Val235Leu) variant has been reported as a variant of de novo origin. This variant and associated phenotype was previously reported by Poirier et al. Eur J Hum Genetics, 2013 PMID: 22948023. HPO-standardized clinical features were: Hypoplasia of the corpus callosum (HP:0002079); Perisylvian polymicrogyria (HP:0012650); no Abnormality of brainstem morphology (-HP:0002363); no Abnormal cerebellum morphology (-HP:0001317); no Microcephaly (-HP:0000252); Other neurological symptoms (NA); Focal seizures (HP:0007359)

Literature cited by the submitters: PubMed 30744660 (cited by Institute of Human Genetics, FAU Erlangen, Friedrich-Alexander-Universität Erlangen-Nürnberg); DOI 10.1101/427948 (cited by Institute of Human Genetics, FAU Erlangen, Friedrich-Alexander-Universität Erlangen-Nürnberg).

NM_006009.4(TUBA1A):c.703G>T (p.Val235Leu)

Gene: TUBA1A (tubulin alpha 1a; minus strand). Cytogenetic location: 12q13.12.
Variant type: single nucleotide variant.
Coding change: c.703G>T on transcript NM_006009.4 (MANE Select); coding-DNA position 703, G replaced by T.
Protein change: p.Val235Leu; replaces valine 235 with leucine.
Molecular consequence: missense variant.
Genome position (GRCh38, 1-based): chr12:49,185,663, C>A on the plus strand (G>T on the coding strand, the complement: TUBA1A is on the minus strand). VCF-style: chr12-49185663-C-A. GRCh37 (hg19) VCF-style: chr12-49579446-C-A.
Other names: NM_006009.4(TUBA1A):c.703G>T; p.Val235Leu; c.703G>T, p.Val235Leu (NM_001270399.2); c.598G>T, p.Val200Leu (NM_001270400.2); short protein forms V235L, V200L.
Identifiers: ClinVar variation 625478 (VCV000625478.3), dbSNP rs1565627190, ClinGen allele CA384640544.